The following is an entry in ClinVar:

NM_020822.3(KCNT1):c.1234A>T (p.Met412Leu)

Gene: KCNT1 (potassium sodium-activated channel subfamily T member 1; plus strand). Cytogenetic location: 9q34.3.
Variant type: single nucleotide variant.
Coding change: c.1234A>T on transcript NM_020822.3 (MANE Select); coding-DNA position 1234, A replaced by T.
Protein change: p.Met412Leu; replaces methionine 412 with leucine.
Molecular consequence: missense variant.
Genome position (GRCh38, 1-based): chr9:135,765,657, A>T. VCF-style: chr9-135765657-A-T. GRCh37 (hg19) VCF-style: chr9-138657503-A-T.
Other names: c.1099A>T, p.Met367Leu (NM_001272003.2); short protein forms M367L, M412L.
Identifiers: ClinVar variation 2949986 (VCV002949986.3), dbSNP rs988871689, ClinGen allele CA375501240.

ClinVar aggregate classification (germline): Uncertain significance (1 of 4 stars; one submission).

Conditions:
Autosomal dominant nocturnal frontal lobe epilepsy 5. Also called: Epilepsy, nocturnal frontal lobe, 5; KCNT1-Related Epilepsy; CILIARY DYSKINESIA, PRIMARY, 28, WITHOUT SITUS INVERSUS; CILIARY DYSKINESIA, PRIMARY, 28, WITH SITUS INVERSUS. Identifiers: Orphanet 98784, MedGen C3554306, MONDO:0014002, OMIM 615005.
Developmental and epileptic encephalopathy, 14 (DEE14). Also called: Early infantile epileptic encephalopathy 14. Identifiers: Orphanet 293181, MedGen C3554195, MONDO:0013989, OMIM 614959.

Submission:

Labcorp Genetics (formerly Invitae), Labcorp
Classification: Uncertain significance for Autosomal dominant nocturnal frontal lobe epilepsy 5; Developmental and epileptic encephalopathy, 14. Last evaluated: 2023-07-17. Review status: criteria provided, single submitter. Criteria: Invitae Variant Classification Sherloc (09022015). Collection method: clinical testing. Allele origin: germline.
Comment: In summary, the available evidence is currently insufficient to determine the role of this variant in disease. Therefore, it has been classified as a Variant of Uncertain Significance. Advanced modeling of protein sequence and biophysical properties (such as structural, functional, and spatial information, amino acid conservation, physicochemical variation, residue mobility, and thermodynamic stability) performed at Invitae indicates that this missense variant is not expected to disrupt KCNT1 protein function. This variant has not been reported in the literature in individuals affected with KCNT1-related conditions. This variant is not present in population databases (gnomAD no frequency). This sequence change replaces methionine, which is neutral and non-polar, with leucine, which is neutral and non-polar, at codon 412 of the KCNT1 protein (p.Met412Leu).